The following is an entry in ClinVar:

ClinVar aggregate classification (germline): Pathogenic/Likely pathogenic. Review status: criteria provided, multiple submitters, no conflicts (2 of 4 stars). 4 submissions from 4 submitters: Pathogenic (3); Likely pathogenic (1). Last evaluated 2026-03-01.

Conditions:
Spinocerebellar ataxia 48. Identifiers: Orphanet 631103, MedGen C4748158, MONDO:0032526, OMIM 618093.
Autosomal recessive spinocerebellar ataxia 16. Identifiers: Orphanet 412057, MedGen C5190574, MONDO:0014339, OMIM 615768.

Submissions (4):

CeGaT Center for Human Genetics Tuebingen
Classification: Pathogenic. Last evaluated: 2026-03-01. Review status: criteria provided, single submitter. Criteria: CeGaT Center For Human Genetics Tuebingen Variant Classification Criteria Version 2. Collection method: clinical testing. Allele origin: germline. Affected: yes. Observed: 1 variant allele.
Comment: STUB1: PVS1, PM2

GeneDx
Classification: Pathogenic. Last evaluated: 2023-11-16. Review status: criteria provided, single submitter. Criteria: GeneDx Variant Classification Process June 2021. Collection method: clinical testing. Allele origin: germline. Affected: yes.
Comment: Observed with the p.(K145Q) variant in a patient with features of STUB1-related spinocerebellar ataxia in published literature, but it is not known if variants were on opposite alleles (in trans) or on the same allele (in cis) (PMID: 29915382); Frameshift variant predicted to result in protein truncation or nonsense mediated decay in a gene for which loss of function is a known mechanism of disease; Not observed at significant frequency in large population cohorts (gnomAD); This variant is associated with the following publications: (PMID: 34906452, 29915382)

Institute of Human Genetics, University of Leipzig Medical Center
Classification: Likely pathogenic for Spinocerebellar ataxia 48. Last evaluated: 2022-01-10. Review status: criteria provided, single submitter. Criteria: ACMG Guidelines, 2015. Collection method: clinical testing. Allele origin: unknown. Affected: yes.

Genetic Services Laboratory, University of Chicago
Classification: Pathogenic for Spinocerebellar ataxia, autosomal recessive 16. Last evaluated: 2016-09-14. Review status: criteria provided, single submitter. Criteria: ACMG Guidelines, 2015. Collection method: clinical testing. Allele origin: germline. Affected: yes.

NM_005861.4(STUB1):c.646dup (p.Ser216fs)

Genes: JMJD8 (jumonji domain containing 8; minus strand), STUB1 (STIP1 homology and U-box containing protein 1; plus strand). Cytogenetic location: 16p13.3.
Variant type: Duplication.
Coding change: c.646dup on transcript NM_005861.4 (MANE Select); coding-DNA position 646, one base duplicated (T; older notation c.646dupT).
Protein change: p.Ser216fs; shifts the reading frame from serine 216.
Molecular consequence: frameshift variant. On other transcripts: 3 prime UTR variant (5), non-coding transcript variant (3).
Genome position (GRCh38, 1-based): chr16:682,053, T duplicated; the last of 6 consecutive T bases (chr16:682,048-682,053); duplicating any one gives the same sequence. VCF-style (leftmost placement, unchanged base first): chr16-682047-C-CT. GRCh37 (hg19) VCF-style: chr16-732047-C-CT.
Other names: c.430dup, p.Ser144fs (NM_001293197.2); c.*746dup (NM_001005920.4, NM_001323919.3, NM_001323920.3); c.*780dup (NM_001323918.3, NM_001323922.3); short protein forms S216fs, S144fs.
Identifiers: ClinVar variation 436887 (VCV000436887.12), dbSNP rs1555475283, ClinGen allele CA645373019.